The following is an entry in ClinVar:

ClinVar aggregate classification (germline): Pathogenic (1 of 4 stars; one submission).

Allele frequency attached by ClinVar (database versions not stated): gnomAD exomes below 0.00001.
gnomAD v4.1: 3 of 1,613,962 alleles (0.00019%); highest among the groups gnomAD compares: Non-Finnish European, 0.00025%; no homozygotes.

Submission:

Labcorp Genetics (formerly Invitae), Labcorp
Classification: Pathogenic. Last evaluated: 2022-11-08. Review status: criteria provided, single submitter. Criteria: Invitae Variant Classification Sherloc (09022015). Collection method: clinical testing. Allele origin: germline.
Comment: This variant has not been reported in the literature in individuals affected with RP1-related conditions. This variant disrupts the C-terminus of the RP1 protein. Many variants that disrupt this region have been reported in individuals with either autosomal dominant or autosomal recessive retinitis pigmentosa (PMID: 11527933, 19933189, 29425069, 30027431, 33681214). Therefore, variants that disrupt this region are expected to be disease-causing. For these reasons, this variant has been classified as Pathogenic. This variant is not present in population databases (gnomAD no frequency). This sequence change creates a premature translational stop signal (p.Gln2025*) in the RP1 gene. While this is not anticipated to result in nonsense mediated decay, it is expected to disrupt the last 132 amino acid(s) of the RP1 protein.

Literature cited by the submitters: PubMed 11527933; PubMed 19933189; PubMed 29425069; PubMed 30027431; PubMed 33681214.

NM_006269.2(RP1):c.6073C>T (p.Gln2025Ter)

Genes: RP1 (RP1 axonemal microtubule associated; plus strand), LOC126860392 (CDK7 strongly-dependent group 2 enhancer GRCh37_chr8:55541319-55542518; plus strand). Cytogenetic location: 8q12.1.
Variant type: single nucleotide variant.
Coding change: c.6073C>T on transcript NM_006269.2 (MANE Select); coding-DNA position 6073, C replaced by T.
Protein change: p.Gln2025Ter; replaces glutamine 2025 with a stop codon.
Molecular consequence: nonsense. On other transcripts: intron variant (1).
Genome position (GRCh38, 1-based): chr8:54,629,955, C>T. VCF-style: chr8-54629955-C-T. GRCh37 (hg19) VCF-style: chr8-55542515-C-T.
Other names: c.787+7667C>T (NM_001375654.1); short protein forms Q2025*.
Identifiers: ClinVar variation 1949598 (VCV001949598.5), dbSNP rs866395974, ClinGen allele CA177184515.